The following is an entry in ClinVar:

NM_002691.4(POLD1):c.3164G>C (p.Trp1055Ser)

Gene: POLD1 (DNA polymerase delta 1, catalytic subunit; plus strand). Cytogenetic location: 19q13.33.
Variant type: single nucleotide variant.
Coding change: c.3164G>C on transcript NM_002691.4 (MANE Select); coding-DNA position 3164, G replaced by C.
Protein change: p.Trp1055Ser; replaces tryptophan 1055 with serine.
Molecular consequence: missense variant. On other transcripts: non-coding transcript variant (1).
Genome position (GRCh38, 1-based): chr19:50,417,215, G>C. VCF-style: chr19-50417215-G-C. GRCh37 (hg19) VCF-style: chr19-50920472-G-C.
Other names: c.3164G>C, p.Trp1055Ser (NM_001256849.1); c.3242G>C, p.Trp1081Ser (NM_001308632.1); short protein forms W1055S, W1081S.
Identifiers: ClinVar variation 3222733 (VCV003222733.1), dbSNP rs746377890, ClinGen allele CA406987381.

ClinVar aggregate classification (germline): Uncertain significance (1 of 4 stars; one submission).

Conditions:
Hereditary cancer-predisposing syndrome. Also called: Tumor predisposition; Hereditary neoplastic syndrome; Hereditary Cancer Syndrome; Neoplastic Syndromes, Hereditary. Identifiers: Orphanet 140162, MedGen C0027672, MeSH D009386, MONDO:0015356.

Submission:

Ambry Genetics
Classification: Uncertain significance for Hereditary cancer-predisposing syndrome. Last evaluated: 2023-01-19. Review status: criteria provided, single submitter. Criteria: Ambry Variant Classification Scheme 2023. Collection method: clinical testing. Allele origin: germline.
Comment: The p.W1055S variant (also known as c.3164G>C), located in coding exon 25 of the POLD1 gene, results from a G to C substitution at nucleotide position 3164. The tryptophan at codon 1055 is replaced by serine, an amino acid with highly dissimilar properties. This amino acid position is conserved. In addition, this alteration is predicted to be tolerated by in silico analysis. Since supporting evidence is limited at this time, the clinical significance of this alteration remains unclear.